The following is an entry in ClinVar:

NM_004035.7(ACOX1):c.1069G>A (p.Glu357Lys)

Gene: ACOX1 (acyl-CoA oxidase 1; minus strand). Cytogenetic location: 17q25.1.
Variant type: single nucleotide variant.
Coding change: c.1069G>A on transcript NM_004035.7 (MANE Select); coding-DNA position 1069, G replaced by A.
Protein change: p.Glu357Lys; replaces glutamic acid 357 with lysine.
Molecular consequence: missense variant.
Genome position (GRCh38, 1-based): chr17:75,951,453, C>T on the plus strand (G>A on the coding strand, the complement: ACOX1 is on the minus strand). VCF-style: chr17-75951453-C-T. GRCh37 (hg19) VCF-style: chr17-73947534-C-T.
Other names: c.955G>A, p.Glu319Lys (NM_001185039.2); c.1069G>A, p.Glu357Lys (NM_007292.6); short protein forms E319K, E357K.
Identifiers: ClinVar variation 3138121 (VCV003138121.2), dbSNP rs757925022, ClinGen allele CA8776853.

ClinVar aggregate classification (germline): Uncertain significance. Review status: criteria provided, multiple submitters, no conflicts (2 of 4 stars). 2 submissions from 2 submitters: Uncertain significance (2). Last evaluated 2025-09-02.

Conditions:
Acyl-CoA oxidase deficiency. Also called: STRAIGHT-CHAIN ACYL-CoA OXIDASE DEFICIENCY; Pseudoneonatal adrenoleukodystrophy; Peroxisomal acyl-CoA oxidase deficiency. Identifiers: Orphanet 2971, MedGen C1849678, MONDO:0009919, OMIM 264470. Disease mechanism: loss of function.
Inborn genetic diseases. Identifiers: MedGen C0950123, MeSH D030342.

Allele frequency attached by ClinVar (database versions not stated): ExAC 0.00001; gnomAD 0.00001; gnomAD exomes 0.00001; TOPMed 0.00001.

Submissions (2):

Labcorp Genetics (formerly Invitae), Labcorp
Classification: Uncertain significance for Acyl-CoA oxidase deficiency. Last evaluated: 2025-09-02. Review status: criteria provided, single submitter. Criteria: Invitae Variant Classification Sherloc (09022015). Collection method: clinical testing. Allele origin: germline.
Comment: This sequence change replaces glutamic acid, which is acidic and polar, with lysine, which is basic and polar, at codon 357 of the ACOX1 protein (p.Glu357Lys). This variant is present in population databases (rs757925022, gnomAD 0.002%). This variant has not been reported in the literature in individuals affected with ACOX1-related conditions. ClinVar contains an entry for this variant (Variation ID: 3138121). Invitae Evidence Modeling of protein sequence and biophysical properties (such as structural, functional, and spatial information, amino acid conservation, physicochemical variation, residue mobility, and thermodynamic stability) indicates that this missense variant is not expected to disrupt ACOX1 protein function with a negative predictive value of 80%. In summary, the available evidence is currently insufficient to determine the role of this variant in disease. Therefore, it has been classified as a Variant of Uncertain Significance.

Ambry Genetics
Classification: Uncertain significance for Inborn genetic diseases. Last evaluated: 2023-09-29. Review status: criteria provided, single submitter. Criteria: Ambry Variant Classification Scheme 2023. Collection method: clinical testing. Allele origin: germline.